The following is an entry in ClinVar:

NM_198578.4(LRRK2):c.3817C>G (p.Leu1273Val)

Gene: LRRK2 (leucine rich repeat kinase 2; plus strand). Cytogenetic location: 12q12.
Variant type: single nucleotide variant.
Coding change: c.3817C>G on transcript NM_198578.4 (MANE Select); coding-DNA position 3817, C replaced by G.
Protein change: p.Leu1273Val; replaces leucine 1273 with valine.
Molecular consequence: missense variant.
Genome position (GRCh38, 1-based): chr12:40,305,824, C>G. VCF-style: chr12-40305824-C-G. GRCh37 (hg19) VCF-style: chr12-40699626-C-G.
Other names: short protein forms L1273V.
Identifiers: ClinVar variation 2453041 (VCV002453041.2), dbSNP rs142252962, ClinGen allele CA6514024.

ClinVar aggregate classification (germline): Uncertain significance (1 of 4 stars; one submission).

Conditions:
Inborn genetic diseases. Identifiers: MedGen C0950123, MeSH D030342.

Allele frequency attached by ClinVar (database versions not stated): gnomAD exomes below 0.00001; ExAC 0.00001; ESP Exome Variant Server 0.00008.
gnomAD v4.1: 1 of 1,613,442 alleles (0.000062%); highest among the groups gnomAD compares: Non-Finnish European, 0.000085%; no homozygotes.

Submission:

Ambry Genetics
Classification: Uncertain significance for Inborn genetic diseases. Last evaluated: 2022-12-07. Review status: criteria provided, single submitter. Criteria: Ambry Variant Classification Scheme 2023. Collection method: clinical testing. Allele origin: germline.
Comment: The p.L1273V variant (also known as c.3817C>G), located in coding exon 28 of the LRRK2 gene, results from a C to G substitution at nucleotide position 3817. The leucine at codon 1273 is replaced by valine, an amino acid with highly similar properties. This amino acid position is conserved. In addition, this alteration is predicted to be tolerated by in silico analysis. Since supporting evidence is limited at this time, the clinical significance of this alteration remains unclear.